The following is an entry in ClinVar:

NM_032638.5(GATA2):c.1399_1401del (p.Phe467del)

Gene: GATA2 (GATA binding protein 2; minus strand). Cytogenetic location: 3q21.3.
Variant type: Deletion.
Coding change: c.1399_1401del on transcript NM_032638.5 (MANE Select); coding-DNA positions 1399 to 1401, 3 bases deleted (TTC; older notation c.1399_1401delTTC).
Protein change: p.Phe467del; deletes phenylalanine 467.
Molecular consequence: inframe deletion.
Genome position (GRCh38, 1-based): chr3:128,481,061-128,481,063, GAA deleted on the plus strand (TTC on the coding strand, the reverse complement: GATA2 is on the minus strand); deleting any 3 consecutive bases within chr3:128,481,061-128,481,064 gives the same sequence; the c. name uses the placement nearest the transcript's 3' end. VCF-style (leftmost placement, unchanged base first): chr3-128481060-CGAA-C. GRCh37 (hg19) VCF-style: chr3-128199903-CGAA-C.
Other names: c.1399_1401delTTC (NM_032638.4); c.1399_1401del, p.Phe467del (NM_001145661.2); c.1357_1359del, p.Phe453del (NM_001145662.1); short protein forms F453del, F467del.
Identifiers: ClinVar variation 1003459 (VCV001003459.7), dbSNP rs2068620357, ClinGen allele CA1400713776.

ClinVar aggregate classification (germline): Uncertain significance. Review status: criteria provided, multiple submitters, no conflicts (2 of 4 stars). 2 submissions from 2 submitters: Uncertain significance (2). Last evaluated 2026-04-16.

Conditions:
Monocytopenia with susceptibility to infections. Also called: MONOCYTOPENIA AND MYCOBACTERIAL INFECTION SYNDROME; MONOCYTOPENIA WITH SUSCEPTIBILITY TO MYCOBACTERIAL, FUNGAL, AND PAPILLOMAVIRUS INFECTIONS AND MYELODYSPLASIA; COMBINED IMMUNODEFICIENCY WITH SUSCEPTIBILITY TO MYCOBACTERIAL, VIRAL, AND FUNGAL INFECTIONS; Dendritic cell, monocyte, B lymphocyte, and natural killer lymphocyte deficiency; IMMUNODEFICIENCY 21; GATA2 DEFICIENCY. Identifiers: Orphanet 228423, MedGen C3280030, MONDO:0013607, OMIM 614172.
Deafness-lymphedema-leukemia syndrome. Also called: Lymphedema, primary, with myelodysplasia; Emberger syndrome. Identifiers: Orphanet 3226, MedGen C3279664, MONDO:0013540, OMIM 614038.
Inborn genetic diseases. Identifiers: MedGen C0950123, MeSH D030342.

Submissions (2):

Ambry Genetics
Classification: Uncertain significance for Inborn genetic diseases. Last evaluated: 2026-04-16. Review status: criteria provided, single submitter. Criteria: Ambry Variant Classification Scheme 2023. Collection method: clinical testing. Allele origin: germline.
Comment: The c.1399_1401delTTC variant (also known as p.F467del) is located in coding exon 5 of the GATA2 gene. This variant results from an in-frame TTC deletion at nucleotide positions 1399 to 1401. This results in the in-frame deletion of a phenylalanine at codon 467. This amino acid position is highly conserved in available vertebrate species. In addition, the in silico prediction for this variant is inconclusive (Choi Y et al. PLoS ONE. 2012; 7(10):e46688). Based on the available evidence, the clinical significance of this variant remains unclear.

Labcorp Genetics (formerly Invitae), Labcorp
Classification: Uncertain significance for Monocytopenia with susceptibility to infections; Deafness-lymphedema-leukemia syndrome. Last evaluated: 2022-10-13. Review status: criteria provided, single submitter. Criteria: Invitae Variant Classification Sherloc (09022015). Collection method: clinical testing. Allele origin: germline.
Comment: This variant, c.1399_1401del, results in the deletion of 1 amino acid(s) of the GATA2 protein (p.Phe467del), but otherwise preserves the integrity of the reading frame. This variant is not present in population databases (gnomAD no frequency). This variant has not been reported in the literature in individuals affected with GATA2-related conditions. ClinVar contains an entry for this variant (Variation ID: 1003459). Experimental studies and prediction algorithms are not available or were not evaluated, and the functional significance of this variant is currently unknown. In summary, the available evidence is currently insufficient to determine the role of this variant in disease. Therefore, it has been classified as a Variant of Uncertain Significance.